The following is an entry in ClinVar:

ClinVar aggregate classification (germline): Likely benign. Review status: criteria provided, multiple submitters, no conflicts (2 of 4 stars). 2 submissions from 2 submitters: Likely benign (2). Last evaluated 2024-02-09.

Conditions:
Methylmalonic aciduria and homocystinuria type cblD (MAHCD). Also called: METHYLMALONIC ACIDEMIA, cblH TYPE; Methylmalonic aciduria with homocystinuria cblD type. Identifiers: Orphanet 622, Orphanet 79283, MedGen C1848552, MONDO:0010185, OMIM 277410.

gnomAD v4.1: 1 of 1,613,798 alleles (0.000062%); highest among the groups gnomAD compares: African/African-American, 0.0013%; no homozygotes.

Submissions (2):

Labcorp Genetics (formerly Invitae), Labcorp
Classification: Likely benign for Methylmalonic aciduria and homocystinuria type cblD. Last evaluated: 2024-02-09. Review status: criteria provided, single submitter. Criteria: Invitae Variant Classification Sherloc (09022015). Collection method: clinical testing. Allele origin: germline.

GeneDx
Classification: Likely benign. Last evaluated: 2017-09-01. Review status: criteria provided, single submitter. Criteria: GeneDx Variant Classification (06012015). Collection method: clinical testing. Allele origin: germline. Affected: yes.
Comment: This variant is considered likely benign or benign based on one or more of the following criteria: it is a conservative change, it occurs at a poorly conserved position in the protein, it is predicted to be benign by multiple in silico algorithms, and/or has population frequency not consistent with disease.

NM_015702.3(MMADHC):c.819T>C (p.His273=)

Gene: MMADHC (metabolism of cobalamin associated D; minus strand). Cytogenetic location: 2q23.2.
Variant type: single nucleotide variant.
Coding change: c.819T>C on transcript NM_015702.3 (MANE Select); coding-DNA position 819, T replaced by C.
Protein change: p.His273=; no amino-acid change (histidine 273 retained).
Molecular consequence: synonymous variant.
Genome position (GRCh38, 1-based): chr2:149,570,046, A>G on the plus strand (T>C on the coding strand, the complement: MMADHC is on the minus strand). VCF-style: chr2-149570046-A-G. GRCh37 (hg19) VCF-style: chr2-150426560-A-G.
Identifiers: ClinVar variation 511595 (VCV000511595.8), dbSNP rs752425275, ClinGen allele CA429405892.